The following is an entry in ClinVar:

ClinVar aggregate classification (germline): Uncertain significance (1 of 4 stars; one submission).

gnomAD v4.1: 1 of 1,548,390 alleles (0.000065%); highest among the groups gnomAD compares: African/African-American, 0.0014%; no homozygotes.

Submission:

Labcorp Genetics (formerly Invitae), Labcorp
Classification: Uncertain significance. Last evaluated: 2024-11-10. Review status: criteria provided, single submitter. Criteria: Invitae Variant Classification Sherloc (09022015). Collection method: clinical testing. Allele origin: germline.
Comment: This sequence change replaces glutamic acid, which is acidic and polar, with lysine, which is basic and polar, at codon 22 of the ACER3 protein (p.Glu22Lys). This variant is not present in population databases (gnomAD no frequency). This variant has not been reported in the literature in individuals affected with ACER3-related conditions. Invitae Evidence Modeling of protein sequence and biophysical properties (such as structural, functional, and spatial information, amino acid conservation, physicochemical variation, residue mobility, and thermodynamic stability) indicates that this missense variant is expected to disrupt ACER3 protein function with a positive predictive value of 80%. In summary, the available evidence is currently insufficient to determine the role of this variant in disease. Therefore, it has been classified as a Variant of Uncertain Significance.

NM_018367.7(ACER3):c.64G>A (p.Glu22Lys)

Gene: ACER3 (alkaline ceramidase 3; plus strand). Cytogenetic location: 11q13.5.
Variant type: single nucleotide variant.
Coding change: c.64G>A on transcript NM_018367.7 (MANE Select); coding-DNA position 64, G replaced by A.
Protein change: p.Glu22Lys; replaces glutamic acid 22 with lysine.
Molecular consequence: missense variant. On other transcripts: 5 prime UTR variant (2).
Genome position (GRCh38, 1-based): chr11:76,861,040, G>A. VCF-style: chr11-76861040-G-A. GRCh37 (hg19) VCF-style: chr11-76572084-G-A.
Other names: c.64G>A, p.Glu22Lys (NM_001300953.2); c.-293G>A (NM_001300954.2); c.-169G>A (NM_001300955.2); short protein forms E22K.
Identifiers: ClinVar variation 3699151 (VCV003699151.2).
Genomic context (GRCh38, chr11:76,861,040, plus strand): 5'-GCTCCGGCCGCGGACCGAGAGGGCTACTGGGGCCCCACGACCTCCACGCTGGACTGGTGC[G>A]AGGAGAACTACTCCGTGACCTGGTACATCGCCGAGTTCTGTGAGTGTGGCCTGAGGAGGG-3'
Protein context (NP_060837.3, residues 12-32): GPTTSTLDWC[Glu22Lys]ENYSVTWYIA